The following is an entry in ClinVar:

NM_001999.4(FBN2):c.4757G>C (p.Arg1586Pro)

Gene: FBN2 (fibrillin 2; minus strand). Cytogenetic location: 5q23.3.
Variant type: single nucleotide variant.
Coding change: c.4757G>C on transcript NM_001999.4 (MANE Select); coding-DNA position 4757, G replaced by C.
Protein change: p.Arg1586Pro; replaces arginine 1586 with proline.
Molecular consequence: missense variant.
Genome position (GRCh38, 1-based): chr5:128,312,756, C>G on the plus strand (G>C on the coding strand, the complement: FBN2 is on the minus strand). VCF-style: chr5-128312756-C-G. GRCh37 (hg19) VCF-style: chr5-127648448-C-G.
Other names: short protein forms R1586P.
Identifiers: ClinVar variation 519865 (VCV000519865.9), dbSNP rs143195229, ClinGen allele CA3394863.

ClinVar aggregate classification (germline): Conflicting classifications of pathogenicity. Review status: criteria provided, conflicting classifications (1 of 4 stars). 3 submissions from 3 submitters: Uncertain significance (2); Likely benign (1). Last evaluated 2023-12-19.

Conditions:
Congenital contractural arachnodactyly (CCA). Also called: BEALS SYNDROME; Beals-Hecht syndrome; Arthrogryposis, distal, type 9. Identifiers: Orphanet 115, MedGen C0220668, MONDO:0007363, OMIM 121050.
Familial thoracic aortic aneurysm and aortic dissection (TAAD). Also called: Thoracic aortic aneurysms and dissections. Identifiers: Orphanet 91387, MedGen C4707243, MONDO:0019625.

Allele frequency attached by ClinVar (database versions not stated): gnomAD 0.00006; TOPMed 0.00014; ESP Exome Variant Server 0.00015.
gnomAD v4.1: 23 of 1,613,784 alleles (0.0014%); highest among the groups gnomAD compares: African/African-American, 0.027%; no homozygotes.

Submissions (3):

Labcorp Genetics (formerly Invitae), Labcorp
Classification: Likely benign for Congenital contractural arachnodactyly. Last evaluated: 2023-12-19. Review status: criteria provided, single submitter. Criteria: Invitae Variant Classification Sherloc (09022015). Collection method: clinical testing. Allele origin: germline.

AiLife Diagnostics
Classification: Uncertain significance. Last evaluated: 2022-02-17. Review status: criteria provided, single submitter. Criteria: ACMG Guidelines, 2015. Collection method: clinical testing. Allele origin: germline. Affected: yes. Observed: 1 variant allele.

Ambry Genetics
Classification: Uncertain significance for Familial thoracic aortic aneurysm and aortic dissection. Last evaluated: 2017-11-03. Review status: criteria provided, single submitter. Criteria: Ambry Variant Classification Scheme 2023. Collection method: clinical testing. Allele origin: germline.
Comment: The p.R1586P variant (also known as c.4757G>C), located in coding exon 37 of the FBN2 gene, results from a G to C substitution at nucleotide position 4757. The arginine at codon 1586 is replaced by proline, an amino acid with dissimilar properties. This amino acid position is well conserved in available vertebrate species. In addition, this alteration is predicted to be deleterious by in silico analysis. Since supporting evidence is limited at this time, the clinical significance of this alteration remains unclear.